The following is an entry in ClinVar:

ClinVar aggregate classification (germline): Conflicting classifications of pathogenicity. Review status: criteria provided, conflicting classifications (1 of 4 stars). 4 submissions from 4 submitters: Uncertain significance (2); Likely benign (2). Last evaluated 2026-06-23.

Conditions:
FBXO38-related disorder. Also called: FBXO38-related condition.
Distal hereditary motor neuropathy type 2. Identifiers: Orphanet 139525, MedGen C3711384, MeSH C580044, MONDO:0015352.

Allele frequency attached by ClinVar (database versions not stated): gnomAD exomes 0.00006 and 0.00011; TOPMed 0.00006; ExAC 0.00007; gnomAD 0.00007.
gnomAD v4.1: 178 of 1,613,856 alleles (0.011%); highest among the groups gnomAD compares: Middle Eastern, 0.12%; 1 homozygote.

Submissions (4):

PreventionGenetics, part of Exact Sciences
Classification: Likely benign for FBXO38-related condition. Last evaluated: 2026-06-23. Review status: criteria provided, single submitter. Criteria: ACMG Guidelines, 2015. Collection method: clinical testing. Allele origin: germline.
Comment: This variant is classified as likely benign based on ACMG/AMP sequence variant interpretation guidelines (Richards et al. 2015 PMID: 25741868, with internal and published modifications).

Labcorp Genetics (formerly Invitae), Labcorp
Classification: Uncertain significance for Distal hereditary motor neuropathy type 2. Last evaluated: 2024-12-10. Review status: criteria provided, single submitter. Criteria: Invitae Variant Classification Sherloc (09022015). Collection method: clinical testing. Allele origin: germline.
Comment: This sequence change replaces valine, which is neutral and non-polar, with isoleucine, which is neutral and non-polar, at codon 612 of the FBXO38 protein (p.Val612Ile). This variant is present in population databases (rs201999494, gnomAD 0.02%), including at least one homozygous and/or hemizygous individual. This variant has not been reported in the literature in individuals affected with FBXO38-related conditions. ClinVar contains an entry for this variant (Variation ID: 473949). Invitae Evidence Modeling of protein sequence and biophysical properties (such as structural, functional, and spatial information, amino acid conservation, physicochemical variation, residue mobility, and thermodynamic stability) indicates that this missense variant is not expected to disrupt FBXO38 protein function with a negative predictive value of 80%. In summary, the available evidence is currently insufficient to determine the role of this variant in disease. Therefore, it has been classified as a Variant of Uncertain Significance.

Ambry Genetics
Classification: Likely benign. Last evaluated: 2019-10-01. Review status: criteria provided, single submitter. Criteria: Ambry Variant Classification Scheme 2023. Collection method: clinical testing. Allele origin: germline.

Breakthrough Genomics
Classification: Uncertain significance. Review status: criteria provided, single submitter. Criteria: ACMG Guidelines, 2015. Collection method: not provided. Allele origin: germline. Inheritance: Autosomal dominant inheritance. Affected: yes.

NM_205836.3(FBXO38):c.1834G>A (p.Val612Ile)

Gene: FBXO38 (F-box protein 38; plus strand). Cytogenetic location: 5q32.
Variant type: single nucleotide variant.
Coding change: c.1834G>A on transcript NM_205836.3 (MANE Select); coding-DNA position 1834, G replaced by A.
Protein change: p.Val612Ile; replaces valine 612 with isoleucine.
Molecular consequence: missense variant.
Genome position (GRCh38, 1-based): chr5:148,425,617, G>A. VCF-style: chr5-148425617-G-A. GRCh37 (hg19) VCF-style: chr5-147805180-G-A.
Other names: c.1834G>A, p.Val612Ile (NM_001271723.2, NM_030793.5); short protein forms V612I.
Identifiers: ClinVar variation 473949 (VCV000473949.15), dbSNP rs201999494, ClinGen allele CA3497390.
Genomic context (GRCh38, chr5:148,425,617, plus strand): 5'-TCAATTACTGTTCATGATTCAGAGAGTGATGATGAAGAAGATAGTCTAGAACTCCAAGAA[G>A]TCTGGATTCCTAAGAACGGTACTCGGCGTTACTCTGAACGTGAAGAAAAAACTGGAGAGT-3'
Protein context (NP_995308.1, residues 602-622): DEEDSLELQE[Val612Ile]WIPKNGTRRY